The following is an entry in ClinVar:

NM_005585.5(SMAD6):c.345G>A (p.Trp115Ter)

Gene: SMAD6 (SMAD family member 6; plus strand). Cytogenetic location: 15q22.31.
Variant type: single nucleotide variant.
Coding change: c.345G>A on transcript NM_005585.5 (MANE Select); coding-DNA position 345, G replaced by A.
Protein change: p.Trp115Ter; replaces tryptophan 115 with a stop codon.
Molecular consequence: nonsense. On other transcripts: non-coding transcript variant (1).
Genome position (GRCh38, 1-based): chr15:66,703,603, G>A. VCF-style: chr15-66703603-G-A. GRCh37 (hg19) VCF-style: chr15-66995941-G-A.
Other names: short protein forms W115*.
Identifiers: ClinVar variation 690419 (VCV000690419.3), dbSNP rs1231501584, ClinGen allele CA392949342.
Genomic context (GRCh38, chr15:66,703,603, plus strand): 5'-GCCAGGGGCCGGCGCTGGGAGCTCCCTGCTGGACGTGGCGGAGCCGGGAGGCCCGGGCTG[G>A]CTGCCCGAGAGTGACTGCGAGACGGTGACCTGCTGTCTCTTTTCGGAGCGGGACGCCGCC-3'

ClinVar aggregate classification (germline): Pathogenic. Review status: criteria provided, single submitter (1 of 4 stars). 2 submissions from 2 submitters: Pathogenic (1). 1 of the submissions does not count toward it. Last evaluated 2025-07-11.

Conditions:
Radioulnar synostosis. Also called: Congenital radioulnar synostosis. Identifiers: Orphanet 3269, MedGen C0158761, MONDO:0017985, HP:0002974.

Allele frequency attached by ClinVar (database versions not stated): gnomAD 0.00001; TOPMed 0.00001.
gnomAD v4.1: 4 of 1,227,716 alleles (0.00033%); highest among the groups gnomAD compares: Non-Finnish European, 0.00041%; no homozygotes.

Submissions (2):

GeneDx
Classification: Pathogenic. Last evaluated: 2025-07-11. Review status: criteria provided, single submitter. Criteria: GeneDx Variant Classification Process June 2021. Collection method: clinical testing. Allele origin: germline. Affected: yes.
Comment: Nonsense variant predicted to result in protein truncation or nonsense mediated decay in a gene for which loss of function is a known mechanism of disease; Not observed at significant frequency in large population cohorts (gnomAD); This variant is associated with the following publications: (PMID: 31138930)

The Laboratory of Genetics and Metabolism, Hunan Children’s Hospital
Classification: Pathogenic for radioulnar synostosis. Last evaluated: 2019-05-14. Review status: no assertion criteria provided. Collection method: case-control. Allele origin: unknown. Affected: yes. Not counted in ClinVar's aggregate classification.
Comment: PVS1, PM2, PP3, PP4